The following is an entry in ClinVar:

NM_025137.4(SPG11):c.4743G>A (p.Thr1581=)

Gene: SPG11 (SPG11 vesicle trafficking associated, spatacsin; minus strand). Cytogenetic location: 15q21.1.
Variant type: single nucleotide variant.
Coding change: c.4743G>A on transcript NM_025137.4 (MANE Select); coding-DNA position 4743, G replaced by A.
Protein change: p.Thr1581=; no amino-acid change (threonine 1581 retained).
Molecular consequence: synonymous variant.
Genome position (GRCh38, 1-based): chr15:44,592,331, C>T on the plus strand (G>A on the coding strand, the complement: SPG11 is on the minus strand). VCF-style: chr15-44592331-C-T. GRCh37 (hg19) VCF-style: chr15-44884529-C-T.
Other names: c.4743G>A (NM_025137.3); c.4743G>A, p.Thr1581= (NM_001160227.2).
Identifiers: ClinVar variation 1513522 (VCV001513522.4), dbSNP rs762755586, ClinGen allele CA7534607.

ClinVar aggregate classification (germline): Uncertain significance. Review status: criteria provided, multiple submitters, no conflicts (2 of 4 stars). 2 submissions from 2 submitters: Uncertain significance (2). Last evaluated 2024-05-22.

Conditions:
Hereditary spastic paraplegia 11. Also called: Spastic paraplegia, mental retardation and thin corpus callosum; SPASTIC PARAPLEGIA, AUTOSOMAL RECESSIVE, COMPLICATED, WITH THIN CORPUS CALLOSUM; SPASTIC PARAPLEGIA, AUTOSOMAL RECESSIVE, WITH MENTAL IMPAIRMENT AND THIN CORPUS CALLOSUM; Spastic Paraplegia 11; Nakamura Osame syndrome; Autosomal recessive hereditary spastic paraplegia, mental impairment, and thin corpus callosum. Identifiers: Orphanet 2822, MedGen C1858479, MONDO:0011445, OMIM 604360.
Inborn genetic diseases. Identifiers: MedGen C0950123, MeSH D030342.

Allele frequency attached by ClinVar (database versions not stated): gnomAD 0.00001; gnomAD exomes 0.00001; TOPMed 0.00001; ExAC 0.00002.
gnomAD v4.1: 12 of 1,577,254 alleles (0.00076%); highest among the groups gnomAD compares: East Asian, 0.0022%; no homozygotes.

Submissions (2):

Ambry Genetics
Classification: Uncertain significance for Inborn genetic diseases. Last evaluated: 2024-05-22. Review status: criteria provided, single submitter. Criteria: Ambry Variant Classification Scheme 2023. Collection method: clinical testing. Allele origin: germline.
Comment: Occurs in the last base pair of the exon Based on insufficient or conflicting evidence, the clinical significance of this alteration remains unclear.

Labcorp Genetics (formerly Invitae), Labcorp
Classification: Uncertain significance for Hereditary spastic paraplegia 11. Last evaluated: 2022-09-19. Review status: criteria provided, single submitter. Criteria: Invitae Variant Classification Sherloc (09022015). Collection method: clinical testing. Allele origin: germline.
Comment: This sequence change affects codon 1581 of the SPG11 mRNA. It is a 'silent' change, meaning that it does not change the encoded amino acid sequence of the SPG11 protein. This variant also falls at the last nucleotide of exon 27, which is part of the consensus splice site for this exon. This variant is present in population databases (rs762755586, gnomAD 0.006%). This variant has not been reported in the literature in individuals affected with SPG11-related conditions. ClinVar contains an entry for this variant (Variation ID: 1513522). Variants that disrupt the consensus splice site are a relatively common cause of aberrant splicing (PMID: 17576681, 9536098). Algorithms developed to predict the effect of sequence changes on RNA splicing suggest that this variant is not likely to affect RNA splicing. In summary, the available evidence is currently insufficient to determine the role of this variant in disease. Therefore, it has been classified as a Variant of Uncertain Significance.

Literature cited by the submitters: PubMed 17576681 (cited by Labcorp Genetics (formerly Invitae), Labcorp); PubMed 9536098 (cited by Labcorp Genetics (formerly Invitae), Labcorp).